The following is an entry in ClinVar:

ClinVar aggregate classification (germline): Uncertain significance. Review status: criteria provided, multiple submitters, no conflicts (2 of 4 stars). 2 submissions from 2 submitters: Uncertain significance (2). Last evaluated 2024-02-28.

Conditions:
Inborn genetic diseases. Identifiers: MedGen C0950123, MeSH D030342.

Allele frequency attached by ClinVar (database versions not stated): gnomAD 0.00001; gnomAD exomes 0.00001 and 0.00002; TOPMed 0.00001.
gnomAD v4.1: 11 of 1,602,210 alleles (0.00069%); highest among the groups gnomAD compares: Non-Finnish European, 0.00077%; no homozygotes.

Submissions (2):

Ambry Genetics
Classification: Uncertain significance for Inborn genetic diseases. Last evaluated: 2024-02-28. Review status: criteria provided, single submitter. Criteria: Ambry Variant Classification Scheme 2023. Collection method: clinical testing. Allele origin: germline.

Labcorp Genetics (formerly Invitae), Labcorp
Classification: Uncertain significance. Last evaluated: 2023-04-16. Review status: criteria provided, single submitter. Criteria: Invitae Variant Classification Sherloc (09022015). Collection method: clinical testing. Allele origin: germline.
Comment: This sequence change replaces alanine, which is neutral and non-polar, with valine, which is neutral and non-polar, at codon 237 of the CAPN5 protein (p.Ala237Val). In summary, the available evidence is currently insufficient to determine the role of this variant in disease. Therefore, it has been classified as a Variant of Uncertain Significance. Advanced modeling of protein sequence and biophysical properties (such as structural, functional, and spatial information, amino acid conservation, physicochemical variation, residue mobility, and thermodynamic stability) performed at Invitae indicates that this missense variant is not expected to disrupt CAPN5 protein function. ClinVar contains an entry for this variant (Variation ID: 1510649). This variant has not been reported in the literature in individuals affected with CAPN5-related conditions. This variant is present in population databases (no rsID available, gnomAD 0.004%).

NM_004055.5(CAPN5):c.710C>T (p.Ala237Val)

Gene: CAPN5 (calpain 5; plus strand). Cytogenetic location: 11q13.5.
Variant type: single nucleotide variant.
Coding change: c.710C>T on transcript NM_004055.5 (MANE Select); coding-DNA position 710, C replaced by T.
Protein change: p.Ala237Val; replaces alanine 237 with valine.
Molecular consequence: missense variant.
Genome position (GRCh38, 1-based): chr11:77,115,405, C>T. VCF-style: chr11-77115405-C-T. GRCh37 (hg19) VCF-style: chr11-76826451-C-T.
Other names: c.710C>T (NM_004055.4); short protein forms A237V.
Identifiers: ClinVar variation 1510649 (VCV001510649.7), dbSNP rs1555041533, ClinGen allele CA381938670.
Genomic context (GRCh38, chr11:77,115,405, plus strand): 5'-CTGGGTTCCAGTGTGGCCCTGCCTCTCTGAGCAACTGTGTCCCTCCACAGGCAGTGACAG[C>T]AGCTGACATGGAGGCCCGCCTGGCGTGCGGCCTGGTAAAGGGCCACGCATACGCCGTCAC-3'
Protein context (NP_004046.2, residues 227-247): LISASIKAVT[Ala237Val]ADMEARLACG